The following is an entry in ClinVar:

NM_024426.6(WT1):c.411G>C (p.Pro137=)

Genes: WT1 (WT1 transcription factor; minus strand), LOC107982234 (WT1/WT1-AS bi-directional promoter region; plus strand). Cytogenetic location: 11p13.
Variant type: single nucleotide variant.
Coding change: c.411G>C on transcript NM_024426.6 (MANE Select); coding-DNA position 411, G replaced by C.
Protein change: p.Pro137=; no amino-acid change (proline 137 retained).
Molecular consequence: synonymous variant. On other transcripts: non-coding transcript variant (1).
Genome position (GRCh38, 1-based): chr11:32,434,950, C>G on the plus strand (G>C on the coding strand, the complement: WT1 is on the minus strand). VCF-style: chr11-32434950-C-G. GRCh37 (hg19) VCF-style: chr11-32456496-C-G.
Other names: c.411G>C, p.Pro137= (NM_000378.6, NM_024424.5).
Identifiers: ClinVar variation 977116 (VCV000977116.26), dbSNP rs1332588174, ClinGen allele CA473773633.
Genomic context (GRCh38, chr11:32,434,950, plus strand): 5'-GTGCGGCTCCGCGCCGCCCCAGCTCGGCTCCTGTTTGATGAAGGAGTGAGGCGGCGGCGG[C>G]GGGGGTGGCGGCGGAGCCGGTGGCGGCGCGGGGCCGCCCAACGACCCGTAAGCCGAAGCG-3'
Protein context (NP_077744.4, residues 127-147): PAPPPAPPPP[Pro137=]PPPPHSFIKQ

ClinVar aggregate classification (germline): Likely benign. Review status: criteria provided, multiple submitters, no conflicts (2 of 4 stars). 3 submissions from 3 submitters: Likely benign (2). 1 of the submissions does not count toward it. Last evaluated 2025-07-10.

Conditions:
Corticosteroids response. Also called: Corticosteroid response.
Inborn genetic diseases. Identifiers: MedGen C0950123, MeSH D030342.

Submissions (3):

Ambry Genetics
Classification: Likely benign for Inborn genetic diseases. Last evaluated: 2025-07-10. Review status: criteria provided, single submitter. Criteria: Ambry Variant Classification Scheme 2023. Collection method: clinical testing. Allele origin: germline.

CeGaT Center for Human Genetics Tuebingen
Classification: Likely benign. Last evaluated: 2024-05-01. Review status: criteria provided, single submitter. Criteria: CeGaT Center For Human Genetics Tuebingen Variant Classification Criteria Version 2. Collection method: clinical testing. Allele origin: germline. Affected: yes. Observed: 3 variant alleles.
Comment: WT1: PM2:Supporting, BP4, BP7

Genetic Testing Lab, Ashok and Rita Patel Institute of Integrated Study and Research in Biotechnology and Allied Sciences
Classification: drug response for Corticosteroid response. Last evaluated: 2020-01-12. Review status: no assertion criteria provided. Collection method: research. Allele origin: somatic. Affected: yes. Observed: 37 variant alleles. Not counted in ClinVar's aggregate classification.
Comment: Depending upon patients response to standard corticosteroids therapy, they were classified to be either Steroid resistance(SRNS) or steroid sensitive(SSNS), histopathological finding confirmed it for Minimal change disease